The following is an entry in ClinVar:

ClinVar aggregate classification (germline): Benign/Likely benign. Review status: criteria provided, multiple submitters, no conflicts (2 of 4 stars). 4 submissions from 4 submitters: Benign (1); Likely benign (3). Last evaluated 2026-04-24.

Conditions:
Colorectal cancer, susceptibility to, 1. Also called: COLORECTAL ADENOMA AND CANCER, SUSCEPTIBILITY TO; COLORECTAL CANCER, SUSCEPTIBILITY TO, ON CHROMOSOME 9. Identifiers: MedGen C1837315, MONDO:0012132, OMIM 608812.

Allele frequency attached by ClinVar (database versions not stated): gnomAD 0.00006 and 0.00005; TOPMed 0.00008; ExAC 0.00006; gnomAD exomes 0.00009.
gnomAD v4.1: 133 of 1,614,058 alleles (0.0082%); highest among the groups gnomAD compares: East Asian, 0.051%; no homozygotes.

Submissions (4):

Myriad Genetics, Inc.
Classification: Benign for Colorectal cancer, susceptibility to, 1. Last evaluated: 2026-04-24. Review status: criteria provided, single submitter. Criteria: Myriad Autosomal Dominant, Autosomal Recessive and X-Linked Classification Criteria (2023). Collection method: clinical testing. Allele origin: unknown.
Comment: This variant is considered benign. This variant is a silent/synonymous amino acid change and it is not expected to impact splicing.

Labcorp Genetics (formerly Invitae), Labcorp
Classification: Likely benign. Last evaluated: 2026-01-18. Review status: criteria provided, single submitter. Criteria: Invitae Variant Classification Sherloc (09022015). Collection method: clinical testing. Allele origin: germline.

Department of Pathology and Laboratory Medicine, Sinai Health System
Classification: Likely benign for Colorectal cancer, susceptibility to, 1. Last evaluated: 2022-08-19. Review status: criteria provided, single submitter. Criteria: ACMG Guidelines, 2015. Collection method: clinical testing. Allele origin: germline. Affected: yes.

Ambry Genetics
Classification: Likely benign. Last evaluated: 2016-09-16. Review status: criteria provided, single submitter. Criteria: Ambry Variant Classification Scheme 2023. Collection method: clinical testing. Allele origin: germline.

NM_024642.5(GALNT12):c.765G>A (p.Pro255=)

Gene: GALNT12 (polypeptide N-acetylgalactosaminyltransferase 12; plus strand). Cytogenetic location: 9q22.33.
Variant type: single nucleotide variant.
Coding change: c.765G>A on transcript NM_024642.5 (MANE Select); coding-DNA position 765, G replaced by A.
Protein change: p.Pro255=; no amino-acid change (proline 255 retained).
Molecular consequence: synonymous variant.
Genome position (GRCh38, 1-based): chr9:98,831,805, G>A. VCF-style: chr9-98831805-G-A. GRCh37 (hg19) VCF-style: chr9-101594087-G-A.
Identifiers: ClinVar variation 485642 (VCV000485642.18), dbSNP rs779959875, ClinGen allele CA5154053.